The following is an entry in ClinVar:

ClinVar aggregate classification (germline): Pathogenic (1 of 4 stars; one submission).

Conditions:
Bardet-Biedl syndrome 1 (BBS1). Identifiers: MedGen C2936862, MONDO:0008854, OMIM 209900. Disease mechanism: loss of function.

Submission:

Myriad Genetics, Inc.
Classification: Pathogenic for Bardet-Biedl syndrome 1. Last evaluated: 2025-12-18. Review status: criteria provided, single submitter. Criteria: Myriad Autosomal Dominant, Autosomal Recessive and X-Linked Classification Criteria (2023). Collection method: clinical testing. Allele origin: unknown.
Comment: NM_024649.4(BBS1):c.43delG(E15Rfs*27) is expected to be pathogenic in the context of Bardet-Biedl syndrome, BBS1-related. This variant is predicted to lead to an abnormal or absent protein product due to the creation of a premature termination codon in BBS1, a gene where loss-of-function variants are known to be pathogenic. Please note: this variant was assessed in the context of healthy population screening.

NM_024649.5(BBS1):c.43del (p.Glu15fs)

Gene: BBS1 (Bardet-Biedl syndrome 1; plus strand). Cytogenetic location: 11q13.2.
Variant type: Deletion.
Coding change: c.43del on transcript NM_024649.5 (MANE Select); coding-DNA position 43, one base deleted (G; older notation c.43delG).
Protein change: p.Glu15fs; shifts the reading frame from glutamic acid 15.
Molecular consequence: frameshift variant.
Genome position (GRCh38, 1-based): chr11:66,510,702, G deleted. VCF-style (leftmost placement, unchanged base first): chr11-66510701-TG-T. GRCh37 (hg19) VCF-style: chr11-66278172-TG-T.
Other names: short protein forms E15fs.
Identifiers: ClinVar variation 5015339 (VCV005015339.1).